The following is an entry in ClinVar:

ClinVar aggregate classification (germline): Uncertain significance. Review status: criteria provided, multiple submitters, no conflicts (2 of 4 stars). 2 submissions from 2 submitters: Uncertain significance (2). Last evaluated 2024-11-27.

Conditions:
RASopathy. Also called: rasopathies; Noonan spectrum disorder. Identifiers: Orphanet 536391, MedGen C5555857, MONDO:0021060.
Cardiovascular phenotype. Identifiers: MedGen CN230736.

Submissions (2):

Labcorp Genetics (formerly Invitae), Labcorp
Classification: Uncertain significance for RASopathy. Last evaluated: 2024-11-27. Review status: criteria provided, single submitter. Criteria: Invitae Variant Classification Sherloc (09022015). Collection method: clinical testing. Allele origin: germline.
Comment: This sequence change falls in intron 15 of the RAF1 gene. It does not directly change the encoded amino acid sequence of the RAF1 protein. It affects a nucleotide within the consensus splice site. This variant is not present in population databases (gnomAD no frequency). This variant has not been reported in the literature in individuals affected with RAF1-related conditions. ClinVar contains an entry for this variant (Variation ID: 1777596). Variants that disrupt the consensus splice site are a relatively common cause of aberrant splicing (PMID: 17576681, 9536098). Algorithms developed to predict the effect of sequence changes on RNA splicing suggest that this variant is not likely to affect RNA splicing. In summary, the available evidence is currently insufficient to determine the role of this variant in disease. Therefore, it has been classified as a Variant of Uncertain Significance.

Ambry Genetics
Classification: Uncertain significance for Cardiovascular phenotype. Last evaluated: 2022-06-01. Review status: criteria provided, single submitter. Criteria: Ambry Variant Classification Scheme 2023. Collection method: clinical testing. Allele origin: germline.
Comment: The c.1668+5G>A intronic variant results from a G to A substitution 5 nucleotides after coding exon 14 in the RAF1 gene. This nucleotide position is well conserved in available vertebrate species. In silico splice site analysis predicts that this alteration will not have any significant effect on splicing. Since supporting evidence is limited at this time, the clinical significance of this alteration remains unclear.

Literature cited by the submitters: PubMed 17576681 (cited by Labcorp Genetics (formerly Invitae), Labcorp); PubMed 9536098 (cited by Labcorp Genetics (formerly Invitae), Labcorp).

NM_002880.4(RAF1):c.1668+5G>A

Gene: RAF1 (Raf-1 proto-oncogene, serine/threonine kinase; minus strand). Cytogenetic location: 3p25.2.
Variant type: single nucleotide variant.
Coding change: c.1668+5G>A on transcript NM_002880.4 (MANE Select); 5 bases into the intron after coding-DNA position 1668, G replaced by A.
Molecular consequence: intron variant.
Genome position (GRCh38, 1-based): chr3:12,585,117, C>T on the plus strand (G>A on the coding strand, the complement: RAF1 is on the minus strand). VCF-style: chr3-12585117-C-T. GRCh37 (hg19) VCF-style: chr3-12626616-C-T.
Other names: c.1326+5G>A (NM_001354695.3); c.1425+5G>A (NM_001354692.3, NM_001354691.3); c.1485+5G>A (NM_001354694.3); c.1569+5G>A (NM_001354693.3); c.1728+5G>A (NM_001354689.3); c.1668+5G>A (NM_001354690.3).
Identifiers: ClinVar variation 1777596 (VCV001777596.4), dbSNP rs2470180061, ClinGen allele CA2580068502.
Genomic context (GRCh38, chr3:12,585,117, plus strand): 5'-GCTTAGGCTGGCGGAGGCCCAGGGGCTCCCACGAGTTGGGTCCTTTCGCACCAGCACAGA[C>T]TTACCTGATCTCGGTTGTTGATGTGAGAATAAGGAAGCTCCCCCGTCATCAGTTCATACA-3'